The following is an entry in ClinVar:

NM_000322.5(PRPH2):c.495C>G (p.Cys165Trp)

Gene: PRPH2 (peripherin 2; minus strand). Cytogenetic location: 6p21.1.
Variant type: single nucleotide variant.
Coding change: c.495C>G on transcript NM_000322.5 (MANE Select); coding-DNA position 495, C replaced by G.
Protein change: p.Cys165Trp; replaces cysteine 165 with tryptophan.
Molecular consequence: missense variant.
Genome position (GRCh38, 1-based): chr6:42,721,840, G>C on the plus strand (C>G on the coding strand, the complement: PRPH2 is on the minus strand). VCF-style: chr6-42721840-G-C. GRCh37 (hg19) VCF-style: chr6-42689578-G-C.
Other names: short protein forms C165W.
Identifiers: ClinVar variation 4801348 (VCV004801348.1).

ClinVar aggregate classification (germline): Likely pathogenic (1 of 4 stars; one submission).

Conditions:
PRPH2-related disorder. Also called: PRPH2-related disorders; PRPH2-related condition. Identifiers: MedGen CN239395.

Submission:

Labcorp Genetics (formerly Invitae), Labcorp
Classification: Likely pathogenic for PRPH2-related disorder. Last evaluated: 2025-11-06. Review status: criteria provided, single submitter. Criteria: Invitae Variant Classification Sherloc (09022015). Collection method: clinical testing. Allele origin: germline.
Comment: This sequence change replaces cysteine, which is neutral and slightly polar, with tryptophan, which is neutral and slightly polar, at codon 165 of the PRPH2 protein (p.Cys165Trp). This variant is not present in population databases (gnomAD no frequency). This variant has not been reported in the literature in individuals affected with PRPH2-related conditions. Invitae Evidence Modeling of protein sequence and biophysical properties (such as structural, functional, and spatial information, amino acid conservation, physicochemical variation, residue mobility, and thermodynamic stability) indicates that this missense variant is expected to disrupt PRPH2 protein function with a positive predictive value of 95%. This variant disrupts the p.Cys165 amino acid residue in PRPH2. Other variant(s) that disrupt this residue have been determined to be pathogenic (PMID: 9673478, 10747861, 25447119). This suggests that this residue is clinically significant, and that variants that disrupt this residue are likely to be disease-causing. In summary, the currently available evidence indicates that the variant is pathogenic, but additional data are needed to prove that conclusively. Therefore, this variant has been classified as Likely Pathogenic.

Literature cited by the submitters: PubMed 9673478; PubMed 10747861; PubMed 25447119.